The following is an entry in ClinVar:

ClinVar aggregate classification (germline): Uncertain significance (1 of 4 stars; one submission).

Conditions:
Perry syndrome. Also called: PARKINSONISM WITH ALVEOLAR HYPOVENTILATION AND MENTAL DEPRESSION. Identifiers: Orphanet 178509, MedGen C1868594, MONDO:0008201, OMIM 168605.
Amyotrophic lateral sclerosis type 1 (ALS1). Also called: AMYOTROPHIC LATERAL SCLEROSIS 1, FAMILIAL. Identifiers: Orphanet 803, MedGen C1862939, MONDO:0007103, OMIM 105400.
Neuronopathy, distal hereditary motor, type 7B. Also called: Distal Hereditary Motor Neuronopathy Type 7B (dHMN7B); NEURONOPATHY, DISTAL HEREDITARY MOTOR, AUTOSOMAL DOMINANT 14; NEURONOPATHY, DISTAL HEREDITARY MOTOR, HARDING TYPE VIIB; NEUROPATHY, DISTAL HEREDITARY MOTOR, HARDING TYPE VIIB; NEUROPATHY, DISTAL HEREDITARY MOTOR, WITH VOCAL CORD PARALYSIS, HARDING TYPE VIIB; HMN VIIB. Identifiers: Orphanet 139589, MedGen C1843315, MONDO:0011879, OMIM 607641.

Allele frequency attached by ClinVar (database versions not stated): TOPMed below 0.00001; gnomAD 0.00001.
gnomAD v4.1: 3 of 1,613,986 alleles (0.00019%); highest among the groups gnomAD compares: Non-Finnish European, 0.00025%; no homozygotes.

Submission:

Labcorp Genetics (formerly Invitae), Labcorp
Classification: Uncertain significance for Amyotrophic lateral sclerosis type 1; Neuronopathy, distal hereditary motor, type 7B; Perry syndrome. Last evaluated: 2022-05-02. Review status: criteria provided, single submitter. Criteria: Invitae Variant Classification Sherloc (09022015). Collection method: clinical testing. Allele origin: germline.
Comment: Algorithms developed to predict the effect of missense changes on protein structure and function are either unavailable or do not agree on the potential impact of this missense change (SIFT: "Deleterious"; PolyPhen-2: "Benign"; Align-GVGD: "Class C0"). This variant has not been reported in the literature in individuals affected with DCTN1-related conditions. This variant is not present in population databases (gnomAD no frequency). This sequence change replaces serine, which is neutral and polar, with arginine, which is basic and polar, at codon 1274 of the DCTN1 protein (p.Ser1274Arg). In summary, the available evidence is currently insufficient to determine the role of this variant in disease. Therefore, it has been classified as a Variant of Uncertain Significance.

NM_004082.5(DCTN1):c.3820A>C (p.Ser1274Arg)

Gene: DCTN1 (dynactin subunit 1; minus strand). Cytogenetic location: 2p13.1.
Variant type: single nucleotide variant.
Coding change: c.3820A>C on transcript NM_004082.5 (MANE Select); coding-DNA position 3820, A replaced by C.
Protein change: p.Ser1274Arg; replaces serine 1274 with arginine.
Molecular consequence: missense variant. On other transcripts: non-coding transcript variant (1).
Genome position (GRCh38, 1-based): chr2:74,361,516, T>G on the plus strand (A>C on the coding strand, the complement: DCTN1 is on the minus strand). VCF-style: chr2-74361516-T-G. GRCh37 (hg19) VCF-style: chr2-74588643-T-G.
Other names: c.3745A>C, p.Ser1249Arg (NM_001135040.3); c.3403A>C, p.Ser1135Arg (NM_001135041.3); c.3694A>C, p.Ser1232Arg (NM_001190836.2); c.3799A>C, p.Ser1267Arg (NM_001190837.2); c.3769A>C, p.Ser1257Arg (NM_001378991.1); c.3751A>C, p.Ser1251Arg (NM_001378992.1); c.3418A>C, p.Ser1140Arg (NM_023019.4); short protein forms S1267R, S1232R, S1251R, S1140R, S1257R, S1135R, S1249R, S1274R.
Identifiers: ClinVar variation 1912545 (VCV001912545.5), dbSNP rs1479744734, ClinGen allele CA347334437.